The following is an entry in ClinVar:

NM_145239.3(PRRT2):c.534G>C (p.Lys178Asn)

Genes: MVP-DT (MVP divergent transcript; minus strand), PRRT2 (proline rich transmembrane protein 2; plus strand). Cytogenetic location: 16p11.2.
Variant type: single nucleotide variant.
Coding change: c.534G>C on transcript NM_145239.3 (MANE Select); coding-DNA position 534, G replaced by C.
Protein change: p.Lys178Asn; replaces lysine 178 with asparagine.
Molecular consequence: missense variant.
Genome position (GRCh38, 1-based): chr16:29,813,588, G>C. VCF-style: chr16-29813588-G-C. GRCh37 (hg19) VCF-style: chr16-29824909-G-C.
Other names: c.534G>C, p.Lys178Asn (NM_001256442.2, NM_001256443.2, NM_001438120.1 and 2 more transcripts); short protein forms K178N.
Identifiers: ClinVar variation 4802983 (VCV004802983.1).
Genomic context (GRCh38, chr16:29,813,588, plus strand): 5'-AGAGCTCCCTACCCAGGAGGACCCCACCCCTGAGATTCTGTCTGAGAGTGTAGGGGAAAA[G>C]CAAGAGAATGGGGCAGTGGTGCCCCTGCAGGCTGGTGATGGGGAAGAGGGCCCAGCCCCT-3'
Protein context (NP_660282.2, residues 168-188): PEILSESVGE[Lys178Asn]QENGAVVPLQ

ClinVar aggregate classification (germline): Uncertain significance (1 of 4 stars; one submission).

Conditions:
Episodic kinesigenic dyskinesia (EKD). Also called: Paroxysmal kinesigenic dyskinesia. Identifiers: Orphanet 98809, MedGen C1868682, MONDO:0044202.

Submission:

Labcorp Genetics (formerly Invitae), Labcorp
Classification: Uncertain significance for Episodic kinesigenic dyskinesia. Last evaluated: 2025-10-09. Review status: criteria provided, single submitter. Criteria: Invitae Variant Classification Sherloc (09022015). Collection method: clinical testing. Allele origin: germline.
Comment: This sequence change replaces lysine, which is basic and polar, with asparagine, which is neutral and polar, at codon 178 of the PRRT2 protein (p.Lys178Asn). This variant is not present in population databases (gnomAD no frequency). This variant has not been reported in the literature in individuals affected with PRRT2-related conditions. Invitae Evidence Modeling of protein sequence and biophysical properties (such as structural, functional, and spatial information, amino acid conservation, physicochemical variation, residue mobility, and thermodynamic stability) indicates that this missense variant is not expected to disrupt PRRT2 protein function with a negative predictive value of 95%. In summary, the available evidence is currently insufficient to determine the role of this variant in disease. Therefore, it has been classified as a Variant of Uncertain Significance.